The following is an entry in ClinVar:

ClinVar aggregate classification (germline): Uncertain significance. Review status: criteria provided, multiple submitters, no conflicts (2 of 4 stars). 3 submissions from 3 submitters: Uncertain significance (3). Last evaluated 2025-11-06.

Conditions:
COL18A1-related disorder. Also called: COL18A1-related disorders; COL18A1-related condition.
Inborn genetic diseases. Identifiers: MedGen C0950123, MeSH D030342.

Allele frequency attached by ClinVar (database versions not stated): ExAC 0.00004.
gnomAD v4.1: 15 of 1,606,260 alleles (0.00093%); highest among the groups gnomAD compares: East Asian, 0.0023%; no homozygotes.

Submissions (3):

PreventionGenetics, part of Exact Sciences
Classification: Uncertain significance for COL18A1-related condition. Last evaluated: 2025-11-06. Review status: criteria provided, single submitter. Criteria: ACMG Guidelines, 2015. Collection method: clinical testing. Allele origin: germline.
Comment: The COL18A1 c.4195C>T variant is predicted to result in the amino acid substitution p.Arg1399Cys. To our knowledge, this variant has not been reported in the literature. This variant is reported in 0.014% of alleles in individuals of African descent in gnomAD. At this time, the clinical significance of this variant is uncertain due to the absence of conclusive functional and genetic evidence.

Ambry Genetics
Classification: Uncertain significance for Inborn genetic diseases. Last evaluated: 2023-12-14. Review status: criteria provided, single submitter. Criteria: Ambry Variant Classification Scheme 2023. Collection method: clinical testing. Allele origin: germline.

Labcorp Genetics (formerly Invitae), Labcorp
Classification: Uncertain significance. Last evaluated: 2022-10-24. Review status: criteria provided, single submitter. Criteria: Invitae Variant Classification Sherloc (09022015). Collection method: clinical testing. Allele origin: germline.
Comment: This sequence change replaces arginine, which is basic and polar, with cysteine, which is neutral and slightly polar, at codon 1219 of the COL18A1 protein (p.Arg1219Cys). The frequency data for this variant in the population databases is considered unreliable, as metrics indicate poor data quality at this position in the gnomAD database. This variant has not been reported in the literature in individuals affected with COL18A1-related conditions. ClinVar contains an entry for this variant (Variation ID: 1352655). Experimental studies and prediction algorithms are not available or were not evaluated, and the functional significance of this variant is currently unknown. In summary, the available evidence is currently insufficient to determine the role of this variant in disease. Therefore, it has been classified as a Variant of Uncertain Significance.

NM_001379500.1(COL18A1):c.3664C>T (p.Arg1222Cys)

Genes: COL18A1 (collagen type XVIII alpha 1 chain; plus strand), SLC19A1 (solute carrier family 19 member 1; minus strand). Cytogenetic location: 21q22.3.
Variant type: single nucleotide variant.
Coding change: c.3664C>T on transcript NM_001379500.1 (MANE Select); coding-DNA position 3664, C replaced by T.
Protein change: p.Arg1222Cys; replaces arginine 1222 with cysteine.
Molecular consequence: missense variant.
Genome position (GRCh38, 1-based): chr21:45,510,232, C>T. VCF-style: chr21-45510232-C-T. GRCh37 (hg19) VCF-style: chr21-46930146-C-T.
Other names: NM_130445.2:c.3655C>T; c.4195C>T, p.Arg1399Cys (NM_030582.4); c.4900C>T, p.Arg1634Cys (NM_130444.3); c.4195C>T (NM_030582.3); short protein forms R1222C, R1634C, R1399C.
Identifiers: ClinVar variation 1352655 (VCV001352655.5), dbSNP rs772118023, ClinGen allele CA10067995.
Genomic context (GRCh38, chr21:45,510,232, plus strand): 5'-TTCCGCGCCTTCCTGTCCTCGCGCCTGCAGGACCTGTACAGCATCGTGCGCCGTGCCGAC[C>T]GCGCAGCCGTGCCCATCGTCAACCTCAAGGTGGGTCAGTCCAGTCCTGAGGGCGCGGGCT-3'
Protein context (NP_001366429.1, residues 1212-1232): DLYSIVRRAD[Arg1222Cys]AAVPIVNLKD